The following is an entry in ClinVar:

NM_000292.3(PHKA2):c.2518-1G>A

Gene: PHKA2 (phosphorylase kinase regulatory subunit alpha 2; minus strand). Cytogenetic location: Xp22.13.
Variant type: single nucleotide variant.
Coding change: c.2518-1G>A on transcript NM_000292.3 (MANE Select); the canonical splice acceptor site of the intron before coding-DNA position 2518, G replaced by A.
Molecular consequence: splice acceptor variant.
Genome position (GRCh38, 1-based): chrX:18,907,098, C>T on the plus strand (G>A on the coding strand, the complement: PHKA2 is on the minus strand). VCF-style: chrX-18907098-C-T. GRCh37 (hg19) VCF-style: chrX-18925216-C-T.
Identifiers: ClinVar variation 851319 (VCV000851319.8), dbSNP rs2047834385, ClinGen allele CA412383178.

ClinVar aggregate classification (germline): Likely pathogenic (1 of 4 stars; one submission).

Conditions:
Glycogen storage disease IXa1. Also called: GLYCOGEN STORAGE DISEASE VIII; GSD VIII; Glycogen storage disease 8; LIVER GLYCOGENOSIS, X-LINKED, TYPE I. Identifiers: Orphanet 264580, MedGen C3694531, MONDO:0010598, OMIM 306000.

Submission:

Labcorp Genetics (formerly Invitae), Labcorp
Classification: Likely pathogenic for Glycogen storage disease IXa1. Last evaluated: 2019-04-11. Review status: criteria provided, single submitter. Criteria: Invitae Variant Classification Sherloc (09022015). Collection method: clinical testing. Allele origin: germline.
Comment: This sequence change affects an acceptor splice site in intron 22 of the PHKA2 gene. It is expected to disrupt RNA splicing and likely results in an absent or disrupted protein product. This variant is not present in population databases (ExAC no frequency). This variant has not been reported in the literature in individuals with PHKA2-related conditions. Algorithms developed to predict the effect of sequence changes on RNA splicing suggest that this variant may disrupt the consensus splice site, but this prediction has not been confirmed by published transcriptional studies. Donor and acceptor splice site variants typically lead to a loss of protein function (PMID: 16199547), and loss-of-function variants in PHKA2 are known to be pathogenic (PMID: 7711737, 10330341). In summary, the currently available evidence indicates that the variant is pathogenic, but additional data are needed to prove that conclusively. Therefore, this variant has been classified as Likely Pathogenic.

Literature cited by the submitters: PubMed 16199547; PubMed 7711737; PubMed 10330341.